The following is an entry in ClinVar:

NM_000153.4(GALC):c.1901del (p.Thr633_Leu634insTer)

Gene: GALC (galactosylceramidase; minus strand). Cytogenetic location: 14q31.3.
Variant type: Deletion.
Coding change: c.1901del on transcript NM_000153.4 (MANE Select); coding-DNA position 1901, one base deleted (T; older notation c.1901delT).
Protein change: p.Thr633_Leu634insTer.
Molecular consequence: nonsense.
Genome position (GRCh38, 1-based): chr14:87,939,915, A deleted on the plus strand (T on the coding strand, the reverse complement: GALC is on the minus strand); the first of 2 consecutive A bases (chr14:87,939,915-87,939,916); deleting either gives the same sequence. VCF-style (leftmost placement, unchanged base first): chr14-87939914-TA-T. GRCh37 (hg19) VCF-style: chr14-88406258-TA-T.
Other names: c.1832del, p.Thr610_Leu611insTer (NM_001201401.2); c.1823del, p.Thr607_Leu608insTer (NM_001201402.2).
Identifiers: ClinVar variation 554777 (VCV000554777.11), dbSNP rs1555378534, ClinGen allele CA658824342.
Genomic context (GRCh38, chr14:87,939,914, plus strand): 5'-ATGCACAACAAAAGAGCATTTTACCTCCAGACTCCAATCAGCAATACTTACCTTAATAGT[TA>T]ACGTGAGTGTATACCATTTTTTTGCTGTAACTTCAACACGTCCTAAAGCATATATAATCC-3'

ClinVar aggregate classification (germline): Pathogenic. Review status: criteria provided, multiple submitters, no conflicts (2 of 4 stars). 4 submissions from 4 submitters: Pathogenic (2). 2 of the submissions do not count toward it. Last evaluated 2025-06-12.

Conditions:
Galactosylceramide beta-galactosidase deficiency. Also called: Krabbe Disease; GALACTOCEREBROSIDASE DEFICIENCY; GALC DEFICIENCY; GLOBOID CELL LEUKOENCEPHALOPATHY; Leukodystrophy, Globoid Cell. Identifiers: Orphanet 487, MedGen C0023521, MONDO:0009499, OMIM 245200.

Submissions (4):

Labcorp Genetics (formerly Invitae), Labcorp
Classification: Pathogenic for Galactosylceramide beta-galactosidase deficiency. Last evaluated: 2025-06-12. Review status: criteria provided, single submitter. Criteria: Invitae Variant Classification Sherloc (09022015). Collection method: clinical testing. Allele origin: germline.
Comment: This sequence change creates a premature translational stop signal (p.Leu634*) in the GALC gene. While this is not anticipated to result in nonsense mediated decay, it is expected to disrupt the last 52 amino acid(s) of the GALC protein. This variant is not present in population databases (gnomAD no frequency). This premature translational stop signal has been observed in individual(s) with GALC-related conditions (PMID: 9338580, 29951496). This variant is also known as 1852delT (Leu618X). ClinVar contains an entry for this variant (Variation ID: 554777). This variant disrupts a region of the GALC protein in which other variant(s) (p.Val681Met) have been determined to be pathogenic (PMID: 23462331, 31885218). This suggests that this is a clinically significant region of the protein, and that variants that disrupt it are likely to be disease-causing. For these reasons, this variant has been classified as Pathogenic.

Women's Health and Genetics/Laboratory Corporation of America, LabCorp
Classification: Pathogenic for Galactosylceramide beta-galactosidase deficiency. Last evaluated: 2023-02-03. Review status: criteria provided, single submitter. Criteria: LabCorp Variant Classification Summary - May 2015. Collection method: clinical testing. Allele origin: germline.
Comment: Variant summary: GALC c.1901delT (p.Leu634X) results in a premature termination codon, predicted to cause a truncation of the encoded protein or absence of the protein due to nonsense mediated decay, which are commonly known mechanisms for disease. Truncations downstream of this position have been classified as pathogenic by our laboratory and reported in HGMD in association with Krabbe disease. The variant was absent in 248794 control chromosomes. c.1901delT has been reported in the literature in individuals affected with Krabbe Disease (eg. Wegner_1997, Tappino_2010, Zhang_2021, Guenzel_2020, etc). These data indicate that the variant is likely to be associated with disease. GALC activity measured in COS1 cells was reported as less than 10% of wild-type (Saavedra-Martiz_2016). One clinical diagnostic laboratory has submitted clinical-significance assessments for this variant to ClinVar after 2014 without evidence for independent evaluation. One laboratory classified the variant as likely pathogenic. Based on the evidence outlined above, the variant was classified as pathogenic.

Counsyl
Classification: Likely pathogenic for Galactosylceramide beta-galactosidase deficiency. Last evaluated: 2017-11-03. Review status: no assertion criteria provided. Collection method: clinical testing. Allele origin: unknown. Not counted in ClinVar's aggregate classification.

OMIM
Classification: Pathogenic for KRABBE DISEASE. Last evaluated: 2010-12-01. Review status: no assertion criteria provided. Collection method: literature only. Allele origin: germline. Not counted in ClinVar's aggregate classification.

Literature cited by the submitters: PubMed 9338580 (cited by 3 submitters); PubMed 29951496 (cited by Labcorp Genetics (formerly Invitae), Labcorp); PubMed 23462331 (cited by Labcorp Genetics (formerly Invitae), Labcorp); PubMed 31885218 (cited by Labcorp Genetics (formerly Invitae), Labcorp); PubMed 20886637 (cited by 3 submitters); PubMed 27638593 (cited by Women's Health and Genetics/Laboratory Corporation of America, LabCorp and Counsyl); PubMed 32089546 (cited by Women's Health and Genetics/Laboratory Corporation of America, LabCorp); PubMed 34012265 (cited by Women's Health and Genetics/Laboratory Corporation of America, LabCorp); PubMed 16607461 (cited by Counsyl).